The following is an entry in ClinVar:

ClinVar aggregate classification (germline): Likely pathogenic. Review status: criteria provided, multiple submitters, no conflicts (2 of 4 stars). 2 submissions from 2 submitters: Likely pathogenic (2). Last evaluated 2020-11-05.

Conditions:
Pulmonary hypertension, primary, 2. Identifiers: Orphanet 422, MedGen C3888002, MONDO:0014134, OMIM 615342.

Submissions (2):

ARUP Laboratories, Molecular Genetics and Genomics, ARUP Laboratories
Classification: Likely pathogenic for Pulmonary hypertension, primary, 2. Last evaluated: 2020-11-05. Review status: criteria provided, single submitter. Criteria: ARUP Molecular Germline Variant Investigation Process 2021. Collection method: clinical testing. Allele origin: germline.
Comment: The SMAD9 c.810_811dup; p.Gln271ProfsTer12 variant, to our knowledge, is not reported in the medical literature or gene-specific databases. This variant is also absent from general population databases (Exome Variant Server, Genome Aggregation Database), indicating it is not a common polymorphism. This variant causes a frameshift by inserting two nucleotides, so it is predicted to result in a truncated protein or mRNA subject to nonsense-mediated decay. Other truncating variants in SMAD9 have been reported in individuals affected with pulmonary arterial hypertension and are considered disease-causing (Wang 2019, Zhu 2019). Based on available information, this variant is considered to be likely pathogenic. References: Wang XJ et al. Germline BMP9 mutation causes idiopathic pulmonary arterial hypertension. Eur Respir J. 2019 Mar 14;53(3):1801609. Zhu N et al. Novel risk genes and mechanisms implicated by exome sequencing of 2572 individuals with pulmonary arterial hypertension. Genome Med. 2019 Nov 14;11(1):69.

Juno Genomics, Hangzhou Juno Genomics, Inc
Classification: Likely pathogenic for Pulmonary hypertension, primary, 2. Review status: criteria provided, single submitter. Criteria: ACMG Guidelines, 2015. Collection method: clinical testing. Allele origin: germline.
Comment: Null variant in a gene where loss of function (LOF) is a known mechanism of disease.;Absent from controls (or at extremely low frequency if recessive) in Genome Aggregation Database.

NM_001127217.3(SMAD9):c.810_811dup (p.Gln271fs)

Gene: SMAD9 (SMAD family member 9; minus strand). Cytogenetic location: 13q13.3.
Variant type: Duplication.
Coding change: c.810_811dup on transcript NM_001127217.3 (MANE Select); coding-DNA positions 810 to 811, 2 bases duplicated (CC; older notation c.810_811dupCC).
Protein change: p.Gln271fs; shifts the reading frame from glutamine 271.
Molecular consequence: frameshift variant.
Genome position (GRCh38, 1-based): chr13:36,865,729-36,865,730, GG duplicated on the plus strand (CC on the coding strand, the reverse complement: SMAD9 is on the minus strand); duplicating any 2 consecutive bases within chr13:36,865,729-36,865,732 gives the same sequence; the c. name uses the placement nearest the transcript's 3' end. VCF-style (leftmost placement, unchanged base first): chr13-36865728-T-TGG. GRCh37 (hg19) VCF-style: chr13-37439865-T-TGG.
Other names: c.699_700dup, p.Gln234fs (NM_001378621.1, NM_005905.6); short protein forms Q234fs, Q271fs.
Identifiers: ClinVar variation 1330824 (VCV001330824.9), dbSNP rs2138382043, ClinGen allele CA2573053835.